The following is an entry in ClinVar:

NM_002880.4(RAF1):c.-4A>C

Gene: RAF1 (Raf-1 proto-oncogene, serine/threonine kinase; minus strand). Cytogenetic location: 3p25.2.
Variant type: single nucleotide variant.
Coding change: c.-4A>C on transcript NM_002880.4 (MANE Select); 4 bases upstream of the start codon, A replaced by C.
Molecular consequence: 5 prime UTR variant. On other transcripts: non-coding transcript variant (3).
Genome position (GRCh38, 1-based): chr3:12,618,725, T>G on the plus strand (A>C on the coding strand, the complement: RAF1 is on the minus strand). VCF-style: chr3-12618725-T-G. GRCh37 (hg19) VCF-style: chr3-12660224-T-G.
Other names: c.-4A>C (NM_001354689.3, NM_001354690.3, NM_001354693.3); c.-134A>C (NM_001354691.3, NM_001354692.3, NM_001354694.3 and 1 more transcripts).
Identifiers: ClinVar variation 928754 (VCV000928754.6), dbSNP rs368465923, ClinGen allele CA69577124.

ClinVar aggregate classification (germline): Uncertain significance. Review status: criteria provided, multiple submitters, no conflicts (2 of 4 stars). 3 submissions from 3 submitters: Uncertain significance (3). Last evaluated 2025-06-30.

Conditions:
Cardiovascular phenotype. Identifiers: MedGen CN230736.

Allele frequency attached by ClinVar (database versions not stated): gnomAD exomes below 0.00001; gnomAD 0.00001 and 0.00002; TOPMed 0.00002; ESP Exome Variant Server 0.00008.
gnomAD v4.1: 6 of 1,613,958 alleles (0.00037%); highest among the groups gnomAD compares: African/African-American, 0.0013%; no homozygotes.

Submissions (3):

Ambry Genetics
Classification: Uncertain significance for Cardiovascular phenotype. Last evaluated: 2025-06-30. Review status: criteria provided, single submitter. Criteria: Ambry Variant Classification Scheme 2023. Collection method: clinical testing. Allele origin: germline.
Comment: The c.-4A>C variant is located in the 5' untranslated region (5&rsquo; UTR) of the RAF1 gene. This variant results from an A to C substitution 4 bases upstream from the first translated codon. This nucleotide position is well conserved in available vertebrate species. Based on the available evidence, the clinical significance of this variant remains unclear.

Blueprint Genetics
Classification: Uncertain significance. Last evaluated: 2019-11-06. Review status: criteria provided, single submitter. Criteria: ACMG Guidelines, 2015. Collection method: clinical testing. Allele origin: germline.

Women's Health and Genetics/Laboratory Corporation of America, LabCorp
Classification: Uncertain significance. Last evaluated: 2019-08-05. Review status: criteria provided, single submitter. Criteria: LabCorp Variant Classification Summary - May 2015. Collection method: clinical testing. Allele origin: germline.
Comment: Variant summary: RAF1 c.-4A>C is located in the untranslated mRNA region upstream of the initiation codon. The variant was absent in 251058 control chromosomes. The available data on variant occurrences in the general population are insufficient to allow any conclusion about variant significance. To our knowledge, no occurrence of c.-4A>C in individuals affected with Noonan Syndrome and Related Conditions and no experimental evidence demonstrating its impact on protein function have been reported. No clinical diagnostic laboratories have submitted clinical-significance assessments for this variant to ClinVar after 2014. Based on the evidence outlined above, the variant was classified as uncertain significance.